The following is an entry in ClinVar:

ClinVar aggregate classification (germline): Likely benign (1 of 4 stars; one submission).

gnomAD v4.1: 457 of 1,613,104 alleles (0.028%); highest among the groups gnomAD compares: South Asian, 0.48%; 1 homozygote.

Submission:

CeGaT Center for Human Genetics Tuebingen
Classification: Likely benign. Last evaluated: 2025-06-01. Review status: criteria provided, single submitter. Criteria: CeGaT Center For Human Genetics Tuebingen Variant Classification Criteria Version 2. Collection method: clinical testing. Allele origin: germline. Affected: yes. Observed: 1 variant allele.
Comment: CRACR2A: BP4, BP7

NM_001144958.2(CRACR2A):c.366C>T (p.Asn122=)

Gene: CRACR2A (calcium release activated channel regulator 2A; minus strand). Cytogenetic location: 12p13.32.
Variant type: single nucleotide variant.
Coding change: c.366C>T on transcript NM_001144958.2 (MANE Select); coding-DNA position 366, C replaced by T.
Protein change: p.Asn122=; no amino-acid change (asparagine 122 retained).
Molecular consequence: synonymous variant.
Genome position (GRCh38, 1-based): chr12:3,679,073, G>A on the plus strand (C>T on the coding strand, the complement: CRACR2A is on the minus strand). VCF-style: chr12-3679073-G-A. GRCh37 (hg19) VCF-style: chr12-3788239-G-A.
Other names: c.366C>T, p.Asn122= (NM_032680.4).
Identifiers: ClinVar variation 3905277 (VCV003905277.10).